The following is an entry in ClinVar:

NM_001273.5(CHD4):c.1543T>C (p.Ser515Pro)

Gene: CHD4 (chromodomain helicase DNA binding protein 4; minus strand). Cytogenetic location: 12p13.31.
Variant type: single nucleotide variant.
Coding change: c.1543T>C on transcript NM_001273.5 (MANE Select); coding-DNA position 1543, T replaced by C.
Protein change: p.Ser515Pro; replaces serine 515 with proline.
Molecular consequence: missense variant.
Genome position (GRCh38, 1-based): chr12:6,598,365, A>G on the plus strand (T>C on the coding strand, the complement: CHD4 is on the minus strand). VCF-style: chr12-6598365-A-G. GRCh37 (hg19) VCF-style: chr12-6707531-A-G.
Other names: c.1522T>C, p.Ser508Pro (NM_001297553.2); c.1504T>C, p.Ser502Pro (NM_001363606.2); c.1543T>C (NM_001273.3); short protein forms S502P, S508P, S515P.
Identifiers: ClinVar variation 3234265 (VCV003234265.21), dbSNP rs1216957553, ClinGen allele CA383598967.

ClinVar aggregate classification (germline): Conflicting classifications of pathogenicity. Review status: criteria provided, conflicting classifications (1 of 4 stars). 2 submissions from 2 submitters: Uncertain significance (1); Likely benign (1). Last evaluated 2026-01-30.

Conditions:
CHD4-related disorder. Also called: CHD4-related condition.

Allele frequency attached by ClinVar (database versions not stated): gnomAD exomes below 0.00001; gnomAD 0.00001; TOPMed 0.00001.
gnomAD v4.1: 3 of 1,613,582 alleles (0.00019%); highest among the groups gnomAD compares: East Asian, 0.0022%; no homozygotes.

Submissions (2):

PreventionGenetics, part of Exact Sciences
Classification: Uncertain significance for CHD4-related condition. Last evaluated: 2026-01-30. Review status: criteria provided, single submitter. Criteria: ACMG Guidelines, 2015. Collection method: clinical testing. Allele origin: germline.
Comment: The CHD4 c.1543T>C variant is predicted to result in the amino acid substitution p.Ser515Pro. To our knowledge, this variant has not been reported in the literature. This variant is reported in 0.0065% of alleles in individuals of European (Non-Finnish) descent in gnomAD. At this time, the clinical significance of this variant is uncertain due to the absence of conclusive functional and genetic evidence.

CeGaT Center for Human Genetics Tuebingen
Classification: Likely benign. Last evaluated: 2024-04-01. Review status: criteria provided, single submitter. Criteria: CeGaT Center For Human Genetics Tuebingen Variant Classification Criteria Version 2. Collection method: clinical testing. Allele origin: germline. Affected: yes. Observed: 1 variant allele.
Comment: CHD4: BP4